The following is an entry in ClinVar:

ClinVar aggregate classification (germline): Uncertain significance (1 of 4 stars; one submission).

Conditions:
Hereditary cancer-predisposing syndrome. Also called: Tumor predisposition; Hereditary neoplastic syndrome; Hereditary Cancer Syndrome; Neoplastic Syndromes, Hereditary. Identifiers: Orphanet 140162, MedGen C0027672, MeSH D009386, MONDO:0015356.

Submission:

Ambry Genetics
Classification: Uncertain significance for Hereditary cancer-predisposing syndrome. Last evaluated: 2022-12-07. Review status: criteria provided, single submitter. Criteria: Ambry Variant Classification Scheme 2023. Collection method: clinical testing. Allele origin: germline.
Comment: The p.E574G variant (also known as c.1721A>G), located in coding exon 11 of the CTNNA1 gene, results from an A to G substitution at nucleotide position 1721. The glutamic acid at codon 574 is replaced by glycine, an amino acid with similar properties. This amino acid position is conserved. In addition, the in silico prediction for this alteration is inconclusive. Since supporting evidence is limited at this time, the clinical significance of this alteration remains unclear.

NM_001903.5(CTNNA1):c.1721A>G (p.Glu574Gly)

Gene: CTNNA1 (catenin alpha 1; plus strand). Cytogenetic location: 5q31.2.
Variant type: single nucleotide variant.
Coding change: c.1721A>G on transcript NM_001903.5 (MANE Select); coding-DNA position 1721, A replaced by G.
Protein change: p.Glu574Gly; replaces glutamic acid 574 with glycine.
Molecular consequence: missense variant.
Genome position (GRCh38, 1-based): chr5:138,924,684, A>G. VCF-style: chr5-138924684-A-G. GRCh37 (hg19) VCF-style: chr5-138260373-A-G.
Other names: c.1721A>G, p.Glu574Gly (NM_001290307.3, NM_001323982.2, NM_001323983.1 and 2 more transcripts); c.1412A>G, p.Glu471Gly (NM_001290309.3); c.1352A>G, p.Glu451Gly (NM_001290310.3); c.611A>G, p.Glu204Gly (NM_001290312.1, NM_001323987.1, NM_001323988.1 and 17 more transcripts); c.1628A>G, p.Glu543Gly (NM_001323986.2); c.272A>G, p.Glu91Gly (NM_001324006.1, NM_001324007.1, NM_001324008.1 and 2 more transcripts); c.518A>G, p.Glu173Gly (NM_001324011.1); c.368A>G, p.Glu123Gly (NM_001324012.1, NM_001324013.1); short protein forms E123G, E173G, E204G, E451G, E471G, E543G, E574G, E91G.
Identifiers: ClinVar variation 3221887 (VCV003221887.1), dbSNP rs2533713574, ClinGen allele CA361132050.